The following is an entry in ClinVar:

NM_212482.4(FN1):c.19C>T (p.Pro7Ser)

Genes: FN1 (fibronectin 1; minus strand), FN1-DT (FN1 divergent transcript; plus strand). Cytogenetic location: 2q35.
Variant type: single nucleotide variant.
Coding change: c.19C>T on transcript NM_212482.4 (MANE Select); coding-DNA position 19, C replaced by T.
Protein change: p.Pro7Ser; replaces proline 7 with serine.
Molecular consequence: missense variant. On other transcripts: non-coding transcript variant (1).
Genome position (GRCh38, 1-based): chr2:215,435,784, G>A on the plus strand (C>T on the coding strand, the complement: FN1 is on the minus strand). VCF-style: chr2-215435784-G-A. GRCh37 (hg19) VCF-style: chr2-216300507-G-A.
Other names: c.19C>T, p.Pro7Ser (NM_001306129.2, NM_001306130.2, NM_001306131.2 and 14 more transcripts); short protein forms P7S.
Identifiers: ClinVar variation 2805689 (VCV002805689.3), dbSNP rs1225352428, ClinGen allele CA350481191.

ClinVar aggregate classification (germline): Uncertain significance (1 of 4 stars; one submission).

Allele frequency attached by ClinVar (database versions not stated): gnomAD exomes below 0.00001.

Submission:

Labcorp Genetics (formerly Invitae), Labcorp
Classification: Uncertain significance. Last evaluated: 2023-10-03. Review status: criteria provided, single submitter. Criteria: Invitae Variant Classification Sherloc (09022015). Collection method: clinical testing. Allele origin: germline.
Comment: This sequence change replaces proline, which is neutral and non-polar, with serine, which is neutral and polar, at codon 7 of the FN1 protein (p.Pro7Ser). The frequency data for this variant in the population databases is considered unreliable, as metrics indicate poor data quality at this position in the gnomAD database. This variant has not been reported in the literature in individuals affected with FN1-related conditions. An algorithm developed to predict the effect of missense changes on protein structure and function (PolyPhen-2) suggests that this variant is likely to be tolerated. In summary, the available evidence is currently insufficient to determine the role of this variant in disease. Therefore, it has been classified as a Variant of Uncertain Significance.